The following is an entry in ClinVar:

NM_004539.4(NARS1):c.816A>G (p.Thr272=)

Gene: NARS1 (asparaginyl-tRNA synthetase 1; minus strand). Cytogenetic location: 18q21.31.
Variant type: single nucleotide variant.
Coding change: c.816A>G on transcript NM_004539.4 (MANE Select); coding-DNA position 816, A replaced by G.
Protein change: p.Thr272=; no amino-acid change (threonine 272 retained).
Molecular consequence: synonymous variant.
Genome position (GRCh38, 1-based): chr18:57,607,319, T>C on the plus strand (A>G on the coding strand, the complement: NARS1 is on the minus strand). VCF-style: chr18-57607319-T-C. GRCh37 (hg19) VCF-style: chr18-55274551-T-C.
Identifiers: ClinVar variation 4874887 (VCV004874887.2).

ClinVar aggregate classification (germline): Likely benign (1 of 4 stars; one submission).

gnomAD v4.1: 23 of 1,614,052 alleles (0.0014%); highest among the groups gnomAD compares: Admixed American, 0.033%; no homozygotes.

Submission:

CeGaT Center for Human Genetics Tuebingen
Classification: Likely benign. Last evaluated: 2026-06-01. Review status: criteria provided, single submitter. Criteria: CeGaT Center For Human Genetics Tuebingen Variant Classification Criteria Version 2. Collection method: clinical testing. Allele origin: germline. Affected: yes. Observed: 1 variant allele.
Comment: NARS1: BP4, BP7